The following is an entry in ClinVar:

ClinVar aggregate classification (germline): Conflicting classifications of pathogenicity. Review status: criteria provided, conflicting classifications (1 of 4 stars). 2 submissions from 2 submitters: Uncertain significance (1); Likely benign (1). Last evaluated 2026-02-13.

Conditions:
Cardiovascular phenotype. Identifiers: MedGen CN230736.
Noonan syndrome 9 (NS9). Identifiers: Orphanet 648, MedGen C4225282, MONDO:0014691, OMIM 616559.

Submissions (2):

Ambry Genetics
Classification: Uncertain significance for Cardiovascular phenotype. Last evaluated: 2026-02-13. Review status: criteria provided, single submitter. Criteria: Ambry Variant Classification Scheme 2023. Collection method: clinical testing. Allele origin: germline.
Comment: The p.S1253N variant (also known as c.3758G>A), located in coding exon 23 of the SOS2 gene, results from a G to A substitution at nucleotide position 3758. The serine at codon 1253 is replaced by asparagine, an amino acid with highly similar properties. This amino acid position is conserved. In addition, this alteration is predicted to be tolerated by in silico analysis. Based on the available evidence, the clinical significance of this variant remains unclear.

Labcorp Genetics (formerly Invitae), Labcorp
Classification: Likely benign for Noonan syndrome 9. Last evaluated: 2024-12-12. Review status: criteria provided, single submitter. Criteria: Invitae Variant Classification Sherloc (09022015). Collection method: clinical testing. Allele origin: germline.

NM_006939.4(SOS2):c.3758G>A (p.Ser1253Asn)

Gene: SOS2 (SOS Ras/Rho guanine nucleotide exchange factor 2; minus strand). Cytogenetic location: 14q21.3.
Variant type: single nucleotide variant.
Coding change: c.3758G>A on transcript NM_006939.4 (MANE Select); coding-DNA position 3758, G replaced by A.
Protein change: p.Ser1253Asn; replaces serine 1253 with asparagine.
Molecular consequence: missense variant.
Genome position (GRCh38, 1-based): chr14:50,118,585, C>T on the plus strand (G>A on the coding strand, the complement: SOS2 is on the minus strand). VCF-style: chr14-50118585-C-T. GRCh37 (hg19) VCF-style: chr14-50585303-C-T.
Other names: c.3659G>A, p.Ser1220Asn (NM_001411020.1); c.3758G>A (NM_006939.2); short protein forms S1220N, S1253N.
Identifiers: ClinVar variation 2718524 (VCV002718524.4), dbSNP rs762593451, ClinGen allele CA389637958.
Genomic context (GRCh38, chr14:50,118,585, plus strand): 5'-CGACGCGGTACCCTTGGAGAGGGTGTGCTAGGAGGAGTGCTTGGCGAATTTGGACACGTA[C>T]TAATGTCTCTGAGCCAGTCTGAATCTCTGTGAAGATGCCCCAGTGGAGGTGGCTGAAGAT-3'
Protein context (NP_008870.2, residues 1243-1263): HRDSDWLRDI[Ser1253Asn]TCPNSPSTPP